The following is an entry in ClinVar:

NM_012452.3(TNFRSF13B):c.306C>A (p.Tyr102Ter)

Gene: TNFRSF13B (TNF receptor superfamily member 13B; minus strand). Cytogenetic location: 17p11.2.
Variant type: single nucleotide variant.
Coding change: c.306C>A on transcript NM_012452.3 (MANE Select); coding-DNA position 306, C replaced by A.
Protein change: p.Tyr102Ter; replaces tyrosine 102 with a stop codon.
Molecular consequence: nonsense.
Genome position (GRCh38, 1-based): chr17:16,948,877, G>T on the plus strand (C>A on the coding strand, the complement: TNFRSF13B is on the minus strand). VCF-style: chr17-16948877-G-T. GRCh37 (hg19) VCF-style: chr17-16852191-G-T.
Other names: short protein forms Y102*.
Identifiers: ClinVar variation 1974800 (VCV001974800.5), dbSNP rs774955611, ClinGen allele CA8414043.

ClinVar aggregate classification (germline): Pathogenic (1 of 4 stars; one submission).

Conditions:
Immunodeficiency, common variable, 2 (CVID2). Also called: ANTIBODY DEFICIENCY DUE TO TACI DEFECT; HYPOGAMMAGLOBULINEMIA DUE TO TACI DEFICIENCY. Identifiers: Orphanet 1572, MedGen C3150354, MONDO:0009413, OMIM 240500.

Allele frequency attached by ClinVar (database versions not stated): TOPMed below 0.00001; ExAC 0.00002.
gnomAD v4.1: 9 of 1,614,192 alleles (0.00056%); highest among the groups gnomAD compares: East Asian, 0.0067%; no homozygotes.

Submission:

Labcorp Genetics (formerly Invitae), Labcorp
Classification: Pathogenic for Immunodeficiency, common variable, 2. Last evaluated: 2024-02-24. Review status: criteria provided, single submitter. Criteria: Invitae Variant Classification Sherloc (09022015). Collection method: clinical testing. Allele origin: germline.
Comment: This sequence change creates a premature translational stop signal (p.Tyr102*) in the TNFRSF13B gene. It is expected to result in an absent or disrupted protein product. Loss-of-function variants in TNFRSF13B are known to be pathogenic (PMID: 16007087, 27123465). This variant is present in population databases (rs774955611, gnomAD 0.006%). This premature translational stop signal has been observed in individual(s) with common variable immunodeficiency (PMID: 27123465). ClinVar contains an entry for this variant (Variation ID: 1974800). For these reasons, this variant has been classified as Pathogenic.

Literature cited by the submitters: PubMed 16007087; PubMed 27123465.